The following is an entry in ClinVar:

ClinVar aggregate classification (germline): Uncertain significance. Review status: criteria provided, multiple submitters, no conflicts (2 of 4 stars). 2 submissions from 2 submitters: Uncertain significance (2). Last evaluated 2025-08-17.

Conditions:
Inborn genetic diseases. Identifiers: MedGen C0950123, MeSH D030342.

Allele frequency attached by ClinVar (database versions not stated): gnomAD exomes 0.00001; TOPMed 0.00003.
gnomAD v4.1: 4 of 1,614,222 alleles (0.00025%); highest among the groups gnomAD compares: Non-Finnish European, 0.00025%; no homozygotes.

Submissions (2):

Labcorp Genetics (formerly Invitae), Labcorp
Classification: Uncertain significance. Last evaluated: 2025-08-17. Review status: criteria provided, single submitter. Criteria: Invitae Variant Classification Sherloc (09022015). Collection method: clinical testing. Allele origin: germline.
Comment: This sequence change replaces proline, which is neutral and non-polar, with serine, which is neutral and polar, at codon 2063 of the FLNB protein (p.Pro2063Ser). This variant is not present in population databases (gnomAD no frequency). This variant has not been reported in the literature in individuals affected with FLNB-related conditions. ClinVar contains an entry for this variant (Variation ID: 2149262). Invitae Evidence Modeling of protein sequence and biophysical properties (such as structural, functional, and spatial information, amino acid conservation, physicochemical variation, residue mobility, and thermodynamic stability) has been performed for this missense variant. However, the output from this modeling did not meet the statistical confidence thresholds required to predict the impact of this variant on FLNB protein function. In summary, the available evidence is currently insufficient to determine the role of this variant in disease. Therefore, it has been classified as a Variant of Uncertain Significance.

Ambry Genetics
Classification: Uncertain significance for Inborn genetic diseases. Last evaluated: 2024-11-08. Review status: criteria provided, single submitter. Criteria: Ambry Variant Classification Scheme 2023. Collection method: clinical testing. Allele origin: germline.

NM_001457.4(FLNB):c.6187C>T (p.Pro2063Ser)

Gene: FLNB (filamin B; plus strand). Cytogenetic location: 3p14.3.
Variant type: single nucleotide variant.
Coding change: c.6187C>T on transcript NM_001457.4 (MANE Select); coding-DNA position 6187, C replaced by T.
Protein change: p.Pro2063Ser; replaces proline 2063 with serine.
Molecular consequence: missense variant.
Genome position (GRCh38, 1-based): chr3:58,149,945, C>T. VCF-style: chr3-58149945-C-T. GRCh37 (hg19) VCF-style: chr3-58135672-C-T.
Other names: c.6280C>T, p.Pro2094Ser (NM_001164317.2); c.6154C>T, p.Pro2052Ser (NM_001164318.2); c.6115C>T, p.Pro2039Ser (NM_001164319.2); c.6187C>T (NM_001457.3); short protein forms P2063S, P2039S, P2052S, P2094S.
Identifiers: ClinVar variation 2149262 (VCV002149262.6), dbSNP rs1376630172, ClinGen allele CA353357320.